The following is an entry in ClinVar:

NM_001267550.2(TTN):c.10659A>G (p.Thr3553=)

Gene: TTN (titin; minus strand). Cytogenetic location: 2q31.2.
Variant type: single nucleotide variant.
Coding change: c.10659A>G on transcript NM_001267550.2 (MANE Select); coding-DNA position 10659, A replaced by G.
Protein change: p.Thr3553=; no amino-acid change (threonine 3553 retained).
Molecular consequence: synonymous variant. On other transcripts: intron variant (5).
Genome position (GRCh38, 1-based): chr2:178,757,561, T>C on the plus strand (A>G on the coding strand, the complement: TTN is on the minus strand). VCF-style: chr2-178757561-T-C. GRCh37 (hg19) VCF-style: chr2-179622288-T-C.
Other names: c.10521A>G, p.Thr3507= (NM_133432.3); c.10165+1423A>G (NM_003319.4); c.10166-764A>G (NM_133437.4); c.10303+1423A>G (NM_133378.4, NM_001256850.1, NM_133379.5).
Identifiers: ClinVar variation 413126 (VCV000413126.31), dbSNP rs748958021, ClinGen allele CA2004067.

ClinVar aggregate classification (germline): Likely benign. Review status: criteria provided, multiple submitters, no conflicts (2 of 4 stars). 6 submissions from 6 submitters: Likely benign (4). 2 of the submissions do not count toward it. Last evaluated 2025-12-16.

Conditions:
TTN-related disorder. Also called: TTN-related disorders; TTN-related condition; TTN-related disease.
Autosomal recessive limb-girdle muscular dystrophy type 2J (LGMDR10). Also called: MUSCULAR DYSTROPHY, LIMB-GIRDLE, AUTOSOMAL RECESSIVE 10; Limb-girdle muscular dystrophy, type 2J. Identifiers: Orphanet 140922, MedGen C1837342, MONDO:0012127, OMIM 608807.
Dilated cardiomyopathy 1G (CMD1G). Identifiers: Orphanet 154, MedGen C1858763, MONDO:0011400, OMIM 604145.

Allele frequency attached by ClinVar (database versions not stated): ExAC 0.00005; gnomAD 0.00006 and 0.00007; gnomAD exomes 0.00006; TOPMed 0.00008.
gnomAD v4.1: 81 of 1,584,562 alleles (0.0051%); highest among the groups gnomAD compares: Admixed American, 0.043%; no homozygotes.

Submissions (6):

Labcorp Genetics (formerly Invitae), Labcorp
Classification: Likely benign for Dilated cardiomyopathy 1G; Autosomal recessive limb-girdle muscular dystrophy type 2J. Last evaluated: 2025-12-16. Review status: criteria provided, single submitter. Criteria: Invitae Variant Classification Sherloc (09022015). Collection method: clinical testing. Allele origin: germline.

CeGaT Center for Human Genetics Tuebingen
Classification: Likely benign. Last evaluated: 2025-10-01. Review status: criteria provided, single submitter. Criteria: CeGaT Center For Human Genetics Tuebingen Variant Classification Criteria Version 2. Collection method: clinical testing. Allele origin: germline. Affected: yes. Observed: 2 variant alleles.
Comment: TTN: BP4, BP7

PreventionGenetics, part of Exact Sciences
Classification: Likely benign for TTN-related condition. Last evaluated: 2025-06-05. Review status: criteria provided, single submitter. Criteria: ACMG Guidelines, 2015. Collection method: clinical testing. Allele origin: germline.
Comment: This variant is classified as likely benign based on ACMG/AMP sequence variant interpretation guidelines (Richards et al. 2015 PMID: 25741868, with internal and published modifications).

Blueprint Genetics
Classification: Likely benign. Last evaluated: 2024-05-06. Review status: criteria provided, single submitter. Criteria: ACMG Guidelines, 2015. Collection method: clinical testing. Allele origin: germline.

Genome Diagnostics Laboratory, University Medical Center Utrecht
Classification: Likely benign. Review status: no assertion criteria provided. Collection method: clinical testing. Allele origin: germline. Affected: yes. Study: VKGL Data-share Consensus. Not counted in ClinVar's aggregate classification.

Joint Genome Diagnostic Labs from Nijmegen and Maastricht, Radboudumc and MUMC+
Classification: Likely benign. Review status: no assertion criteria provided. Collection method: clinical testing. Allele origin: germline. Affected: yes. Study: VKGL Data-share Consensus. Not counted in ClinVar's aggregate classification.